The following is an entry in ClinVar:

ClinVar aggregate classification (germline): Pathogenic. Review status: criteria provided, single submitter (1 of 4 stars). 2 submissions from 2 submitters: Pathogenic (1). 1 of the submissions does not count toward it. Last evaluated 2022-12-25.

Conditions:
Congenital myasthenic syndrome 2C. Also called: Myasthenic syndrome, congenital, 2C, associated with acetylcholine receptor deficiency. Identifiers: Orphanet 590, MedGen C4225373, MONDO:0014582, OMIM 616314.
Congenital myasthenic syndrome 2A. Also called: Myasthenic syndrome, congenital, 2a, slow-channel. Identifiers: Orphanet 590, MedGen C4225374, MONDO:0014581, OMIM 616313.

Submissions (2):

Labcorp Genetics (formerly Invitae), Labcorp
Classification: Pathogenic for Congenital myasthenic syndrome 2A. Last evaluated: 2022-12-25. Review status: criteria provided, single submitter. Criteria: Invitae Variant Classification Sherloc (09022015). Collection method: clinical testing. Allele origin: germline.
Comment: This variant has been observed in individual(s) with autosomal recessive congenital myasthenia (PMID: 10562302). In at least one individual the data is consistent with being in trans (on the opposite chromosome) from a pathogenic variant. It has also been observed to segregate with disease in related individuals. For these reasons, this variant has been classified as Pathogenic. Experimental studies have shown that this variant affects CHRNB1 function (PMID: 10562302). Algorithms developed to predict the effect of variants on protein structure and function are not available or were not evaluated for this variant. ClinVar contains an entry for this variant (Variation ID: 18374). This variant is also known as beta1276del9. This variant is not present in population databases (gnomAD no frequency). This variant, c.1347_1355del, results in the deletion of 3 amino acid(s) of the CHRNB1 protein (p.Glu449_Glu451del), but otherwise preserves the integrity of the reading frame.

OMIM
Classification: Pathogenic for MYASTHENIC SYNDROME, CONGENITAL, 2C, ASSOCIATED WITH ACETYLCHOLINE RECEPTOR DEFICIENCY (1 family). Last evaluated: 1999-11-01. Review status: no assertion criteria provided. Collection method: literature only. Allele origin: germline. Not counted in ClinVar's aggregate classification.

Literature cited by the submitters: PubMed 10562302 (cited by Labcorp Genetics (formerly Invitae), Labcorp and OMIM).

NM_000747.3(CHRNB1):c.1347_1355del (p.Glu449_Glu451del)

Gene: CHRNB1 (cholinergic receptor nicotinic beta 1 subunit; plus strand). Cytogenetic location: 17p13.1.
Variant type: Deletion.
Coding change: c.1347_1355del on transcript NM_000747.3 (MANE Select); coding-DNA positions 1347 to 1355, 9 bases deleted (ACAGGAGGA; older notation c.1347_1355delACAGGAGGA).
Protein change: p.Glu449_Glu451del.
Molecular consequence: inframe deletion.
Genome position (GRCh38, 1-based): chr17:7,455,923-7,455,931, ACAGGAGGA deleted; deleting any 9 consecutive bases within chr17:7,455,919-7,455,931 gives the same sequence; the c. name uses the placement nearest the transcript's 3' end. VCF-style (leftmost placement, unchanged base first): chr17-7455918-CAGGAACAGG-C. GRCh37 (hg19) VCF-style: chr17-7359237-CAGGAACAGG-C.
Identifiers: ClinVar variation 18374 (VCV000018374.8), dbSNP rs2069945390, ClinGen allele CA981193778.